The following is an entry in ClinVar:

NM_004006.3(DMD):c.397C>T (p.Gln133Ter)

Gene: DMD (dystrophin; minus strand). Cytogenetic location: Xp21.1.
Variant type: single nucleotide variant.
Coding change: c.397C>T on transcript NM_004006.3 (MANE Select); coding-DNA position 397, C replaced by T.
Protein change: p.Gln133Ter; replaces glutamine 133 with a stop codon.
Molecular consequence: nonsense.
Genome position (GRCh38, 1-based): chrX:32,816,601, G>A on the plus strand (C>T on the coding strand, the complement: DMD is on the minus strand). VCF-style: chrX-32816601-G-A. GRCh37 (hg19) VCF-style: chrX-32834718-G-A.
Other names: c.373C>T, p.Gln125Ter (NM_000109.4); c.385C>T, p.Gln129Ter (NM_004009.3); c.28C>T, p.Gln10Ter (NM_004010.3); short protein forms Q10*, Q129*, Q125*, Q133*.
Identifiers: ClinVar variation 2180393 (VCV002180393.5), dbSNP rs1422155550, ClinGen allele CA412674304.

ClinVar aggregate classification (germline): Pathogenic. Review status: criteria provided, multiple submitters, no conflicts (2 of 4 stars). 2 submissions from 2 submitters: Pathogenic (2). Last evaluated 2024-01-09.

Conditions:
Duchenne muscular dystrophy (DMD). Also called: MUSCULAR DYSTROPHY, PSEUDOHYPERTROPHIC PROGRESSIVE, DUCHENNE TYPE; Duchenne Muscular Dystrophy (DMD). Identifiers: Orphanet 98896, MedGen C0013264, MONDO:0010679, OMIM 310200.

Submissions (2):

Labcorp Genetics (formerly Invitae), Labcorp
Classification: Pathogenic for Duchenne muscular dystrophy. Last evaluated: 2024-01-09. Review status: criteria provided, single submitter. Criteria: Invitae Variant Classification Sherloc (09022015). Collection method: clinical testing. Allele origin: germline.
Comment: This sequence change creates a premature translational stop signal (p.Gln133*) in the DMD gene. It is expected to result in an absent or disrupted protein product. Loss-of-function variants in DMD are known to be pathogenic (PMID: 16770791, 25007885). This variant is not present in population databases (gnomAD no frequency). This premature translational stop signal has been observed in individual(s) with Duchenne muscular dystrophy (PMID: 32559196). ClinVar contains an entry for this variant (Variation ID: 2180393). For these reasons, this variant has been classified as Pathogenic.

Clinical Biomedical Laboratory, Shriners Hospital For Children - Canada
Classification: Pathogenic for Duchenne muscular dystrophy. Review status: criteria provided, single submitter. Criteria: ACMG Guidelines, 2015. Collection method: clinical testing. Allele origin: germline. Affected: yes.
Comment: This is expected to lead to degradation of the affected transcript and loss of function of the affected allele. This variant is absent from the Genome Aggregation Database (v2.1.1.), indicating it is very rare. Based on the ACMG variant interpretation guidelines (criteria: PVS1, PS3, PM2, PP4), the available evidence supports classification of this variant as pathogenic.

Literature cited by the submitters: PubMed 16770791 (cited by Labcorp Genetics (formerly Invitae), Labcorp); PubMed 25007885 (cited by Labcorp Genetics (formerly Invitae), Labcorp); PubMed 32559196 (cited by Labcorp Genetics (formerly Invitae), Labcorp).